The following is an entry in ClinVar:

ClinVar aggregate classification (germline): Uncertain significance (1 of 4 stars; one submission).

Conditions:
Neuropathy, hereditary sensory, type 2C. Also called: Hereditary sensory and autonomic neuropathy type IIC; KIF1A-Related HSAN2 (HSAN2C). Identifiers: Orphanet 970, MedGen C3280168, MONDO:0013634, OMIM 614213.
Intellectual disability, autosomal dominant 9 (NESCAVS). Also called: NESCAV SYNDROME; KIF1A-Related Neurodevelopmental Disorder. Identifiers: Orphanet 662367, MedGen C5393830, MONDO:0013656, OMIM 614255.
Hereditary spastic paraplegia 30. Identifiers: Orphanet 101010, MedGen C5235139, MONDO:0012476.

Allele frequency attached by ClinVar (database versions not stated): gnomAD exomes 0.00001; gnomAD 0.00001.

Submission:

Labcorp Genetics (formerly Invitae), Labcorp
Classification: Uncertain significance for Hereditary spastic paraplegia 30; Neuropathy, hereditary sensory, type 2C; Intellectual disability, autosomal dominant 9. Last evaluated: 2025-01-06. Review status: criteria provided, single submitter. Criteria: Invitae Variant Classification Sherloc (09022015). Collection method: clinical testing. Allele origin: germline.
Comment: This sequence change replaces valine, which is neutral and non-polar, with leucine, which is neutral and non-polar, at codon 495 of the KIF1A protein (p.Val495Leu). This variant is present in population databases (no rsID available, gnomAD 0.0009%). This variant has not been reported in the literature in individuals affected with KIF1A-related conditions. ClinVar contains an entry for this variant (Variation ID: 2143849). Invitae Evidence Modeling of protein sequence and biophysical properties (such as structural, functional, and spatial information, amino acid conservation, physicochemical variation, residue mobility, and thermodynamic stability) indicates that this missense variant is expected to disrupt KIF1A protein function with a positive predictive value of 95%. In summary, the available evidence is currently insufficient to determine the role of this variant in disease. Therefore, it has been classified as a Variant of Uncertain Significance.

NM_001244008.2(KIF1A):c.1510G>C (p.Val504Leu)

Gene: KIF1A (kinesin family member 1A; minus strand). Cytogenetic location: 2q37.3.
Variant type: single nucleotide variant.
Coding change: c.1510G>C on transcript NM_001244008.2 (MANE Select); coding-DNA position 1510, G replaced by C.
Protein change: p.Val504Leu; replaces valine 504 with leucine.
Molecular consequence: missense variant.
Genome position (GRCh38, 1-based): chr2:240,767,333, C>G on the plus strand (G>C on the coding strand, the complement: KIF1A is on the minus strand). VCF-style: chr2-240767333-C-G. GRCh37 (hg19) VCF-style: chr2-241706750-C-G.
Other names: c.1510G>C, p.Val504Leu (NM_001320705.2, NM_001330289.2, NM_001379638.1); c.1585G>C, p.Val529Leu (NM_001330290.2, NM_001379631.1, NM_001379634.1 and 2 more transcripts); c.1483G>C, p.Val495Leu (NM_001379632.1, NM_001379633.1, NM_001379636.1 and 11 more transcripts); c.1558G>C, p.Val520Leu (NM_001379637.1, NM_001379648.1); short protein forms V504L, V529L, V495L, V520L.
Identifiers: ClinVar variation 2143849 (VCV002143849.4), dbSNP rs1275774750, ClinGen allele CA351328635.